The following is an entry in ClinVar:

ClinVar aggregate classification (germline): Likely pathogenic (1 of 4 stars; one submission).

Conditions:
Dilated cardiomyopathy 1G (CMD1G). Identifiers: Orphanet 154, MedGen C1858763, MONDO:0011400, OMIM 604145.
Autosomal recessive limb-girdle muscular dystrophy type 2J (LGMDR10). Also called: Limb-girdle muscular dystrophy, type 2J; MUSCULAR DYSTROPHY, LIMB-GIRDLE, AUTOSOMAL RECESSIVE 10. Identifiers: Orphanet 140922, MedGen C1837342, MONDO:0012127, OMIM 608807.

Submission:

Labcorp Genetics (formerly Invitae), Labcorp
Classification: Likely pathogenic for Dilated cardiomyopathy 1G; Autosomal recessive limb-girdle muscular dystrophy type 2J. Last evaluated: 2024-07-16. Review status: criteria provided, single submitter. Criteria: Invitae Variant Classification Sherloc (09022015). Collection method: clinical testing. Allele origin: germline.
Comment: This sequence change creates a premature translational stop signal (p.Lys21532Trpfs*34) in the TTN gene. While this is not anticipated to result in nonsense mediated decay, it is expected to create a truncated TTN protein. This variant is not present in population databases (gnomAD no frequency). This variant has not been reported in the literature in individuals affected with TTN-related conditions. This variant is located in the A band of TTN (PMID: 25589632). Truncating variants in this region are significantly overrepresented in patients affected with dilated cardiomyopathy (PMID: 25589632). Truncating variants in this region have also been reported in individuals affected with autosomal recessive centronuclear myopathy (PMID: 23975875). In summary, the currently available evidence indicates that the variant is pathogenic, but additional data are needed to prove that conclusively. Therefore, this variant has been classified as Likely Pathogenic.

Literature cited by the submitters: PubMed 25589632; PubMed 23975875.

NM_001267550.2(TTN):c.64594_64601del (p.Lys21532fs)

Genes: TTN (titin; minus strand), TTN-AS1 (TTN antisense RNA 1; plus strand). Cytogenetic location: 2q31.2.
Variant type: Deletion.
Coding change: c.64594_64601del on transcript NM_001267550.2 (MANE Select); coding-DNA positions 64594 to 64601, 8 bases deleted (AAAGACAG; older notation c.64594_64601delAAAGACAG).
Protein change: p.Lys21532fs; shifts the reading frame from lysine 21532.
Molecular consequence: frameshift variant.
Genome position (GRCh38, 1-based): chr2:178,585,143-178,585,150, CTGTCTTT deleted on the plus strand (AAAGACAG on the coding strand, the reverse complement: TTN is on the minus strand); deleting any 8 consecutive bases within chr2:178,585,143-178,585,151 gives the same sequence; the c. name uses the placement nearest the transcript's 3' end. VCF-style (leftmost placement, unchanged base first): chr2-178585142-ACTGTCTTT-A. GRCh37 (hg19) VCF-style: chr2-179449869-ACTGTCTTT-A.
Other names: c.59671_59678del, p.Lys19891fs (NM_001256850.1); c.37399_37406del, p.Lys12467fs (NM_003319.4); c.56890_56897del, p.Lys18964fs (NM_133378.4); c.37774_37781del, p.Lys12592fs (NM_133432.3); c.37975_37982del, p.Lys12659fs (NM_133437.4); short protein forms K12592fs, K18964fs, K19891fs, K12467fs, K12659fs, K21532fs.
Identifiers: ClinVar variation 2950964 (VCV002950964.3), dbSNP rs2469173117, ClinGen allele CA2740096064.